The following is an entry in ClinVar:

ClinVar aggregate classification (germline): Likely benign (0 of 4 stars; one submission).

Conditions:
SEMA5A-related disorder. Also called: SEMA5A-related condition.

Allele frequency attached by ClinVar (database versions not stated): TOPMed below 0.00001; gnomAD 0.00001; gnomAD exomes 0.00001.
gnomAD v4.1: 17 of 1,613,324 alleles (0.0011%); highest among the groups gnomAD compares: Non-Finnish European, 0.0014%; no homozygotes.

Submission:

PreventionGenetics, part of Exact Sciences
Classification: Likely benign for SEMA5A-related condition. Last evaluated: 2019-05-23. Review status: no assertion criteria provided. Collection method: clinical testing. Allele origin: germline.
Comment: This variant is classified as likely benign based on ACMG/AMP sequence variant interpretation guidelines (Richards et al. 2015 PMID: 25741868, with internal and published modifications).

NM_003966.3(SEMA5A):c.456T>C (p.His152=)

Gene: SEMA5A (semaphorin 5A; minus strand). Cytogenetic location: 5p15.31.
Variant type: single nucleotide variant.
Coding change: c.456T>C on transcript NM_003966.3 (MANE Select); coding-DNA position 456, T replaced by C.
Protein change: p.His152=; no amino-acid change (histidine 152 retained).
Molecular consequence: synonymous variant.
Genome position (GRCh38, 1-based): chr5:9,224,864, A>G on the plus strand (T>C on the coding strand, the complement: SEMA5A is on the minus strand). VCF-style: chr5-9224864-A-G. GRCh37 (hg19) VCF-style: chr5-9224976-A-G.
Identifiers: ClinVar variation 3039609 (VCV003039609.2), dbSNP rs758709916, ClinGen allele CA113829188.